The following is an entry in ClinVar:

ClinVar aggregate classification (germline): Uncertain significance (1 of 4 stars; one submission).

Conditions:
Early-infantile DEE. Also called: Ohtahara syndrome; Early infantile epileptic encephalopathy; Early infantile epileptic encephalopathy with suppression bursts. Identifiers: Orphanet 1934, MedGen C0393706, MONDO:0800491.

Allele frequency attached by ClinVar (database versions not stated): gnomAD exomes below 0.00001.

Submission:

Labcorp Genetics (formerly Invitae), Labcorp
Classification: Uncertain significance for Early-infantile DEE. Last evaluated: 2022-03-11. Review status: criteria provided, single submitter. Criteria: Invitae Variant Classification Sherloc (09022015). Collection method: clinical testing. Allele origin: germline.
Comment: In summary, the available evidence is currently insufficient to determine the role of this variant in disease. Therefore, it has been classified as a Variant of Uncertain Significance. Algorithms developed to predict the effect of missense changes on protein structure and function output the following: SIFT: "Tolerated"; PolyPhen-2: "Benign"; Align-GVGD: "Class C0". The threonine amino acid residue is found in multiple mammalian species, which suggests that this missense change does not adversely affect protein function. This variant has not been reported in the literature in individuals affected with SPTAN1-related conditions. This variant is not present in population databases (gnomAD no frequency). This sequence change replaces methionine, which is neutral and non-polar, with threonine, which is neutral and polar, at codon 125 of the SPTAN1 protein (p.Met125Thr).

NM_001130438.3(SPTAN1):c.374T>C (p.Met125Thr)

Gene: SPTAN1 (spectrin alpha, non-erythrocytic 1; plus strand). Cytogenetic location: 9q34.11.
Variant type: single nucleotide variant.
Coding change: c.374T>C on transcript NM_001130438.3 (MANE Select); coding-DNA position 374, T replaced by C.
Protein change: p.Met125Thr; replaces methionine 125 with threonine.
Molecular consequence: missense variant.
Genome position (GRCh38, 1-based): chr9:128,574,685, T>C. VCF-style: chr9-128574685-T-C. GRCh37 (hg19) VCF-style: chr9-131336964-T-C.
Other names: c.374T>C, p.Met125Thr (NM_001195532.2, NM_001363759.2, NM_001363765.2 and 5 more transcripts); c.410T>C, p.Met137Thr (NM_001375312.2, NM_001375318.1); short protein forms M125T, M137T.
Identifiers: ClinVar variation 1495387 (VCV001495387.7), dbSNP rs2130964756, ClinGen allele CA375052415.